The following is an entry in ClinVar:

NM_015559.3(SETBP1):c.540+7371C>T

Gene: SETBP1 (SET binding protein 1; plus strand). Cytogenetic location: 18q12.3.
Variant type: single nucleotide variant.
Coding change: c.540+7371C>T on transcript NM_015559.3 (MANE Select); 7371 bases into the intron after coding-DNA position 540, C replaced by T.
Molecular consequence: intron variant. On other transcripts: synonymous variant (1).
Genome position (GRCh38, 1-based): chr18:44,876,654, C>T. VCF-style: chr18-44876654-C-T. GRCh37 (hg19) VCF-style: chr18-42456619-C-T.
Other names: c.630C>T, p.Ala210= (NM_001130110.2); c.540+7371C>T (NM_001379141.1, NM_001410862.1, NM_001379142.1).
Identifiers: ClinVar variation 3061636 (VCV003061636.2), dbSNP rs2511269194, ClinGen allele CA2576492365.

ClinVar aggregate classification (germline): Likely benign (0 of 4 stars; one submission).

Conditions:
SETBP1-related disorder. Also called: SETBP1-related condition; SETBP1-related disorders.

Submission:

PreventionGenetics, part of Exact Sciences
Classification: Likely benign for SETBP1-related condition. Last evaluated: 2021-06-21. Review status: no assertion criteria provided. Collection method: clinical testing. Allele origin: germline.
Comment: This variant is classified as likely benign based on ACMG/AMP sequence variant interpretation guidelines (Richards et al. 2015 PMID: 25741868, with internal and published modifications).